The following is an entry in ClinVar:

ClinVar aggregate classification (germline): Uncertain significance (1 of 4 stars; one submission).

Submission:

GeneDx
Classification: Uncertain significance. Last evaluated: 2024-09-18. Review status: criteria provided, single submitter. Criteria: GeneDx Variant Classification Process June 2021. Collection method: clinical testing. Allele origin: germline. Affected: yes.
Comment: Not observed at significant frequency in large population cohorts (gnomAD); In silico analysis supports that this missense variant has a deleterious effect on protein structure/function; Has not been previously published as pathogenic or benign to our knowledge

NM_001220.5(CAMK2B):c.1918A>C (p.Thr640Pro)

Gene: CAMK2B (calcium/calmodulin dependent protein kinase II beta; minus strand). Cytogenetic location: 7p13.
Variant type: single nucleotide variant.
Coding change: c.1918A>C on transcript NM_001220.5 (MANE Select); coding-DNA position 1918, A replaced by C.
Protein change: p.Thr640Pro; replaces threonine 640 with proline.
Molecular consequence: missense variant.
Genome position (GRCh38, 1-based): chr7:44,220,145, T>G on the plus strand (A>C on the coding strand, the complement: CAMK2B is on the minus strand). VCF-style: chr7-44220145-T-G. GRCh37 (hg19) VCF-style: chr7-44259744-T-G.
Other names: c.1546A>C, p.Thr516Pro (NM_001293170.2, NM_172078.3); c.1474A>C, p.Thr492Pro (NM_172079.3); c.1471A>C, p.Thr491Pro (NM_172080.3); c.1429A>C, p.Thr477Pro (NM_172081.3); c.1396A>C, p.Thr466Pro (NM_172082.3); c.1357A>C, p.Thr453Pro (NM_172083.3); c.1267A>C, p.Thr423Pro (NM_172084.3); short protein forms T423P, T453P, T466P, T477P, T491P, T492P, T516P, T640P.
Identifiers: ClinVar variation 3773944 (VCV003773944.1).
Genomic context (GRCh38, chr7:44,220,145, plus strand): 5'-CGCCCGAGCAGTGGAAGTGCACGTTCTGCCACTTGCCGTCGCGGCGGTGCCACACGCGGG[T>G]CTCCTCAGACTGGCTGGTGCGGGGCCGGCCCTGCCCGTCAATGTACTGCGTGAGCCGGAT-3'
Protein context (NP_001211.3, residues 630-650): GRPRTSQSEE[Thr640Pro]RVWHRRDGKW